The following is an entry in ClinVar:

ClinVar aggregate classification (germline): Likely benign. Review status: criteria provided, multiple submitters, no conflicts (2 of 4 stars). 2 submissions from 2 submitters: Likely benign (2). Last evaluated 2025-02-12.

Conditions:
LARS2-related disorder. Also called: LARS2-related condition.

Allele frequency attached by ClinVar (database versions not stated): gnomAD exomes 0.00002; gnomAD 0.00004; TOPMed 0.00004.
gnomAD v4.1: 35 of 1,613,856 alleles (0.0022%); highest among the groups gnomAD compares: Middle Eastern, 0.016%; no homozygotes.

Submissions (2):

PreventionGenetics, part of Exact Sciences
Classification: Likely benign for LARS2-related condition. Last evaluated: 2025-02-12. Review status: criteria provided, single submitter. Criteria: ACMG Guidelines, 2015. Collection method: clinical testing. Allele origin: germline.
Comment: This variant is classified as likely benign based on ACMG/AMP sequence variant interpretation guidelines (Richards et al. 2015 PMID: 25741868, with internal and published modifications).

Labcorp Genetics (formerly Invitae), Labcorp
Classification: Likely benign. Last evaluated: 2024-11-19. Review status: criteria provided, single submitter. Criteria: Invitae Variant Classification Sherloc (09022015). Collection method: clinical testing. Allele origin: germline.

NM_015340.4(LARS2):c.102C>T (p.Pro34=)

Gene: LARS2 (leucyl-tRNA synthetase 2, mitochondrial; plus strand). Cytogenetic location: 3p21.31.
Variant type: single nucleotide variant.
Coding change: c.102C>T on transcript NM_015340.4 (MANE Select); coding-DNA position 102, C replaced by T.
Protein change: p.Pro34=; no amino-acid change (proline 34 retained).
Molecular consequence: synonymous variant.
Genome position (GRCh38, 1-based): chr3:45,394,555, C>T. VCF-style: chr3-45394555-C-T. GRCh37 (hg19) VCF-style: chr3-45436047-C-T.
Other names: c.102C>T, p.Pro34= (NM_001368263.1); c.102C>T (NM_015340.3).
Identifiers: ClinVar variation 2967199 (VCV002967199.4), dbSNP rs1020076031, ClinGen allele CA73676933.
Genomic context (GRCh38, chr3:45,394,555, plus strand): 5'-TCTGAAAAGACAGCTAAATGGTGGGCCAGATGTCATCAAGTGGGAAAGGAGAGTAATTCC[C>T]GGATGTACCAGAAGCATCTACAGTGCCACGGGAAAGTGGACAAAAGAGTATACATTGCAG-3'
Protein context (NP_056155.1, residues 24-44): DVIKWERRVI[Pro34=]GCTRSIYSAT